The following is an entry in ClinVar:

NM_001006630.2(CHRM2):c.257T>C (p.Ile86Thr)

Genes: CHRM2 (cholinergic receptor muscarinic 2; plus strand), LOC349160 (uncharacterized LOC349160; minus strand). Cytogenetic location: 7q33.
Variant type: single nucleotide variant.
Coding change: c.257T>C on transcript NM_001006630.2 (MANE Select); coding-DNA position 257, T replaced by C.
Protein change: p.Ile86Thr; replaces isoleucine 86 with threonine.
Molecular consequence: missense variant.
Genome position (GRCh38, 1-based): chr7:137,015,122, T>C. VCF-style: chr7-137015122-T-C. GRCh37 (hg19) VCF-style: chr7-136699869-T-C.
Other names: c.257T>C, p.Ile86Thr (NM_000739.3, NM_001006626.3, NM_001006627.3 and 6 more transcripts); short protein forms I86T.
Identifiers: ClinVar variation 2415282 (VCV002415282.7), dbSNP rs764299494, ClinGen allele CA4500517.

ClinVar aggregate classification (germline): Uncertain significance. Review status: criteria provided, multiple submitters, no conflicts (2 of 4 stars). 2 submissions from 2 submitters: Uncertain significance (2). Last evaluated 2025-11-05.

Allele frequency attached by ClinVar (database versions not stated): ExAC 0.00001; TOPMed 0.00003; gnomAD exomes below 0.00001; gnomAD 0.00001.
gnomAD v4.1: 5 of 1,613,430 alleles (0.00031%); highest among the groups gnomAD compares: Admixed American, 0.0033%; no homozygotes.

Submissions (2):

Labcorp Genetics (formerly Invitae), Labcorp
Classification: Uncertain significance. Last evaluated: 2025-11-05. Review status: criteria provided, single submitter. Criteria: Invitae Variant Classification Sherloc (09022015). Collection method: clinical testing. Allele origin: germline.
Comment: This sequence change replaces isoleucine, which is neutral and non-polar, with threonine, which is neutral and polar, at codon 86 of the CHRM2 protein (p.Ile86Thr). This variant is present in population databases (rs764299494, gnomAD 0.005%). This variant has not been reported in the literature in individuals affected with CHRM2-related conditions. ClinVar contains an entry for this variant (Variation ID: 2415282). An algorithm developed to predict the effect of missense changes on protein structure and function (PolyPhen-2) suggests that this variant is likely to be tolerated. In summary, the available evidence is currently insufficient to determine the role of this variant in disease. Therefore, it has been classified as a Variant of Uncertain Significance.

Ambry Genetics
Classification: Uncertain significance. Last evaluated: 2025-08-30. Review status: criteria provided, single submitter. Criteria: Ambry Variant Classification Scheme 2023. Collection method: clinical testing. Allele origin: germline.